The following is an entry in ClinVar:

ClinVar aggregate classification (germline): Uncertain significance (1 of 4 stars; one submission).

Submission:

Dasa
Classification: Uncertain significance. Last evaluated: 2026-03-19. Review status: criteria provided, single submitter. Criteria: DASA Assertion Criteria. Collection method: clinical testing. Allele origin: germline.
Comment: NM_002591.4(PCK1):c.1107C>G (p.Tyr369*) is a nonsense variant in PCK1 predicted to introduce a premature termination codon and is predicted to result in an absent or altered protein product. This variant has been observed in affected individuals with PCK1-related disorders. Functional evidence supports an impact on the gene or gene product (PMID: 36351254; PMID: 26971250). Also, this variant is rare in population databases. The currently available literature and clinical evidence are not sufficient to establish a definitive association between this variant and the reported condition. Therefore, this variant is classified as a variant of uncertain significance.

Literature cited by the submitters: PubMed 35868242; PubMed 34622459; PubMed 36351254; PubMed 26971250.

NM_002591.4(PCK1):c.1107C>G (p.Tyr369Ter)

Gene: PCK1 (phosphoenolpyruvate carboxykinase 1; plus strand). Cytogenetic location: 20q13.31.
Variant type: single nucleotide variant.
Coding change: c.1107C>G on transcript NM_002591.4 (MANE Select); coding-DNA position 1107, C replaced by G.
Protein change: p.Tyr369Ter; replaces tyrosine 369 with a stop codon.
Molecular consequence: nonsense.
Genome position (GRCh38, 1-based): chr20:57,564,314, C>G. VCF-style: chr20-57564314-C-G. GRCh37 (hg19) VCF-style: chr20-56139370-C-G.
Other names: short protein forms Y369*.
Identifiers: ClinVar variation 4886173 (VCV004886173.2).